The following is an entry in ClinVar:

ClinVar aggregate classification (germline): Benign (1 of 4 stars; one submission).

Allele frequency attached by ClinVar (database versions not stated): 1000 Genomes Project 0.00459; 1000 Genomes Project 30x 0.00500; gnomAD 0.00856; TOPMed 0.00874; gnomAD exomes 0.00994.
gnomAD v4.1: 3,508 of 369,294 alleles (0.95%); highest among the groups gnomAD compares: Non-Finnish European, 1.3%; 41 homozygotes.

Submission:

CeGaT Center for Human Genetics Tuebingen
Classification: Benign. Last evaluated: 2023-06-01. Review status: criteria provided, single submitter. Criteria: CeGaT Center For Human Genetics Tuebingen Variant Classification Criteria Version 2. Collection method: clinical testing. Allele origin: germline. Affected: yes. Observed: 9 variant alleles.
Comment: CSNK2A1: BS1, BS2

NM_177559.3(CSNK2A1):c.213+1869T>G

Gene: CSNK2A1 (casein kinase 2 alpha 1; minus strand). Cytogenetic location: 20p13.
Variant type: single nucleotide variant.
Coding change: c.213+1869T>G on transcript NM_177559.3 (MANE Select); 1869 bases into the intron after coding-DNA position 213, T replaced by G.
Molecular consequence: intron variant.
Genome position (GRCh38, 1-based): chr20:503,249, A>C on the plus strand (T>G on the coding strand, the complement: CSNK2A1 is on the minus strand). VCF-style: chr20-503249-A-C. GRCh37 (hg19) VCF-style: chr20-483893-A-C.
Other names: c.-196+1869T>G (NM_177560.3); c.213+1869T>G (NM_001362771.2, NM_001895.4, NM_001362770.2).
Identifiers: ClinVar variation 2498873 (VCV002498873.28), dbSNP rs150841083, ClinGen allele CA310641247.